The following is an entry in ClinVar:

NM_203447.4(DOCK8):c.2060C>T (p.Pro687Leu)

Gene: DOCK8 (dedicator of cytokinesis 8; plus strand). Cytogenetic location: 9p24.3.
Variant type: single nucleotide variant.
Coding change: c.2060C>T on transcript NM_203447.4 (MANE Select); coding-DNA position 2060, C replaced by T.
Protein change: p.Pro687Leu; replaces proline 687 with leucine.
Molecular consequence: missense variant.
Genome position (GRCh38, 1-based): chr9:372,237, C>T. VCF-style: chr9-372237-C-T. GRCh37 (hg19) VCF-style: chr9-372237-C-T.
Other names: p.Pro687Leu; c.1856C>T, p.Pro619Leu (NM_001190458.2, NM_001193536.2); c.2060C>T (NM_203447.3); short protein forms P619L, P687L.
Identifiers: ClinVar variation 1024957 (VCV001024957.7), dbSNP rs766820743, ClinGen allele CA4958059.

ClinVar aggregate classification (germline): Uncertain significance. Review status: criteria provided, multiple submitters, no conflicts (2 of 4 stars). 2 submissions from 2 submitters: Uncertain significance (2). Last evaluated 2025-02-26.

Conditions:
Combined immunodeficiency due to DOCK8 deficiency (HIES2). Also called: HYPER-IgE SYNDROME 2, AUTOSOMAL RECESSIVE, WITH RECURRENT INFECTIONS; HYPER-IgE RECURRENT INFECTION SYNDROME 2, AUTOSOMAL RECESSIVE; HIES autosomal recessive; DOCK8 Deficiency; Hyper-IgE recurrent infection syndrome, autosomal recessive. Identifiers: Orphanet 217390, MedGen C4722305, MONDO:0009478, OMIM 243700.

Allele frequency attached by ClinVar (database versions not stated): gnomAD 0.00001; ExAC 0.00004; gnomAD exomes 0.00004 and 0.00008; TOPMed 0.00005.
gnomAD v4.1: 25 of 1,613,992 alleles (0.0015%); highest among the groups gnomAD compares: Admixed American, 0.04%; no homozygotes.

Submissions (2):

Mayo Clinic Laboratories, Mayo Clinic
Classification: Uncertain significance. Last evaluated: 2025-02-26. Review status: criteria provided, single submitter. Criteria: ACMG Guidelines, 2015. Collection method: clinical testing. Allele origin: germline. Observed: 1 variant allele.

Labcorp Genetics (formerly Invitae), Labcorp
Classification: Uncertain significance for Combined immunodeficiency due to DOCK8 deficiency. Last evaluated: 2022-08-16. Review status: criteria provided, single submitter. Criteria: Invitae Variant Classification Sherloc (09022015). Collection method: clinical testing. Allele origin: germline.
Comment: This sequence change replaces proline, which is neutral and non-polar, with leucine, which is neutral and non-polar, at codon 687 of the DOCK8 protein (p.Pro687Leu). This variant is present in population databases (rs766820743, gnomAD 0.05%). This variant has not been reported in the literature in individuals affected with DOCK8-related conditions. ClinVar contains an entry for this variant (Variation ID: 1024957). Algorithms developed to predict the effect of missense changes on protein structure and function are either unavailable or do not agree on the potential impact of this missense change (SIFT: "Deleterious"; PolyPhen-2: "Probably Damaging"; Align-GVGD: "Class C0"). In summary, the available evidence is currently insufficient to determine the role of this variant in disease. Therefore, it has been classified as a Variant of Uncertain Significance.

Literature cited by the submitters: PubMed 28191889 (cited by Mayo Clinic Laboratories, Mayo Clinic).